The following is an entry in ClinVar:

NM_001130965.3(SUN1):c.697G>C (p.Val233Leu)

Gene: SUN1 (Sad1 and UNC84 domain containing 1; plus strand). Cytogenetic location: 7p22.3.
Variant type: single nucleotide variant.
Coding change: c.697G>C on transcript NM_001130965.3 (MANE Select); coding-DNA position 697, G replaced by C.
Protein change: p.Val233Leu; replaces valine 233 with leucine.
Molecular consequence: missense variant. On other transcripts: synonymous variant (1), intron variant (12), non-coding transcript variant (3).
Genome position (GRCh38, 1-based): chr7:851,422, G>C. VCF-style: chr7-851422-G-C. GRCh37 (hg19) VCF-style: chr7-891059-G-C.
Other names: c.697G>C, p.Val233Leu (NM_001367633.1, NM_001367634.1, NM_001367653.1 and 3 more transcripts); c.351G>C, p.Leu117= (NM_001367635.1); c.940G>C, p.Val314Leu (NM_001367636.1, NM_001367655.1, NM_001367666.1 and 1 more transcripts); c.808G>C, p.Val270Leu (NM_001367638.1, NM_001367664.1, NM_001367696.1 and 1 more transcripts); c.241G>C, p.Val81Leu (NM_001367639.1); c.697G>C (NM_001130965.2); c.658G>C, p.Val220Leu (NM_001367645.1, NM_001367679.1, NM_001367667.1 and 1 more transcripts); c.829G>C, p.Val277Leu (NM_001367646.1, NM_001367673.1, NM_001367706.1); and 25 more; short protein forms C16S, V183L, V207L, V211L, V220L, V233L, V242L, V248L.
Identifiers: ClinVar variation 1058865 (VCV001058865.10), dbSNP rs377582591, ClinGen allele CA4111888.
Genomic context (GRCh38, chr7:851,422, plus strand): 5'-CACACACGTCTTCCCTGCACAGGTTACTTCTTGCTGCAGATTCTGCGCAGGATCGGAGCT[G>C]TGGGCCAGGCTGTGTCCAGGACGGCGTGGTCGGCCCTTTGGCTGGCCGTGGTTGCTCCAG-3'
Protein context (NP_001124437.1, residues 223-243): LLQILRRIGA[Val233Leu]GQAVSRTAWS

ClinVar aggregate classification (germline): Uncertain significance. Review status: criteria provided, multiple submitters, no conflicts (2 of 4 stars). 2 submissions from 2 submitters: Uncertain significance (2). Last evaluated 2022-08-16.

Conditions:
Emery-Dreifuss muscular dystrophy (EDMD). Also called: Scapuloperoneal syndrome, X-linked (formerly); Humeroperoneal neuromuscular disease, (formerly). Identifiers: Orphanet 261, MedGen C0410189, MONDO:0016830.

gnomAD v4.1: 118 of 1,610,258 alleles (0.0073%); highest among the groups gnomAD compares: South Asian, 0.13%; 1 homozygote.

Submissions (2):

Labcorp Genetics (formerly Invitae), Labcorp
Classification: Uncertain significance for Emery-Dreifuss muscular dystrophy. Last evaluated: 2022-08-16. Review status: criteria provided, single submitter. Criteria: Invitae Variant Classification Sherloc (09022015). Collection method: clinical testing. Allele origin: germline.
Comment: ClinVar contains an entry for this variant (Variation ID: 1058865). This sequence change replaces valine, which is neutral and non-polar, with leucine, which is neutral and non-polar, at codon 233 of the SUN1 protein (p.Val233Leu). This variant is present in population databases (rs377582591, gnomAD 0.1%), and has an allele count higher than expected for a pathogenic variant. This variant has not been reported in the literature in individuals affected with SUN1-related conditions. Algorithms developed to predict the effect of missense changes on protein structure and function are either unavailable or do not agree on the potential impact of this missense change (SIFT: "Deleterious"; PolyPhen-2: "Benign"; Align-GVGD: "Class C0"). In summary, the available evidence is currently insufficient to determine the role of this variant in disease. Therefore, it has been classified as a Variant of Uncertain Significance.

Ambry Genetics
Classification: Uncertain significance. Last evaluated: 2022-01-26. Review status: criteria provided, single submitter. Criteria: Ambry Variant Classification Scheme 2023. Collection method: clinical testing. Allele origin: germline.